The following is an entry in ClinVar:

NM_001267550.2(TTN):c.104359A>G (p.Lys34787Glu)

Genes: TTN (titin; minus strand), TTN-AS1 (TTN antisense RNA 1; plus strand). Cytogenetic location: 2q31.2.
Variant type: single nucleotide variant.
Coding change: c.104359A>G on transcript NM_001267550.2 (MANE Select); coding-DNA position 104359, A replaced by G.
Protein change: p.Lys34787Glu; replaces lysine 34787 with glutamic acid.
Molecular consequence: missense variant.
Genome position (GRCh38, 1-based): chr2:178,532,256, T>C on the plus strand (A>G on the coding strand, the complement: TTN is on the minus strand). VCF-style: chr2-178532256-T-C. GRCh37 (hg19) VCF-style: chr2-179396983-T-C.
Other names: p.Lys33146Glu; c.99436A>G, p.Lys33146Glu (NM_001256850.1); c.77164A>G, p.Lys25722Glu (NM_003319.4); c.96655A>G, p.Lys32219Glu (NM_133378.4); c.77539A>G, p.Lys25847Glu (NM_133432.3); c.77740A>G, p.Lys25914Glu (NM_133437.4); short protein forms K34787E, K25722E, K25847E, K25914E, K32219E, K33146E.
Identifiers: ClinVar variation 466727 (VCV000466727.9), dbSNP rs769788281, ClinGen allele CA1985434.

ClinVar aggregate classification (germline): Uncertain significance. Review status: criteria provided, multiple submitters, no conflicts (2 of 4 stars). 5 submissions from 5 submitters: Uncertain significance (5). Last evaluated 2026-02-14.

Conditions:
TTN-related disorder. Also called: TTN-related condition; TTN-related disease; TTN-related disorders.
Autosomal recessive limb-girdle muscular dystrophy type 2J (LGMDR10). Also called: Limb-girdle muscular dystrophy, type 2J; MUSCULAR DYSTROPHY, LIMB-GIRDLE, AUTOSOMAL RECESSIVE 10. Identifiers: Orphanet 140922, MedGen C1837342, MONDO:0012127, OMIM 608807.
Dilated cardiomyopathy 1G (CMD1G). Identifiers: Orphanet 154, MedGen C1858763, MONDO:0011400, OMIM 604145.
Hypertrophic cardiomyopathy 9. Also called: Familial hypertrophic cardiomyopathy 9. Identifiers: MedGen C1861065, MONDO:0013412, OMIM 613765.
Myopathy, myofibrillar, 9, with early respiratory failure (MFM9). Also called: Hereditary myopathy with early respiratory failure; MYOPATHY, PROXIMAL, WITH EARLY RESPIRATORY MUSCLE INVOLVEMENT; EDSTROM MYOPATHY; Myopathy, distal, with early respiratory failure, autosomal dominant. Identifiers: Orphanet 178464, Orphanet 34521, MedGen C1863599, MONDO:0011362, OMIM 603689.
Tibial muscular dystrophy (TMD). Also called: Udd Distal Myopathy – Tibial Muscular Dystrophy; UDD MYOPATHY; Tibial muscular dystrophy, tardive. Identifiers: Orphanet 609, MedGen C1838244, MONDO:0010870, OMIM 600334.
Early-onset myopathy with fatal cardiomyopathy (CMYO5). Also called: Salih Myopathy; CONGENITAL MYOPATHY 5 WITH CARDIOMYOPATHY. Identifiers: Orphanet 289377, MedGen C2673677, MONDO:0012714, OMIM 611705. Disease mechanism: loss of function.

Allele frequency attached by ClinVar (database versions not stated): ExAC 0.00002; TOPMed 0.00002; gnomAD 0.00003; gnomAD exomes 0.00003 and 0.00005.
gnomAD v4.1: 48 of 1,613,752 alleles (0.003%); highest among the groups gnomAD compares: Admixed American, 0.015%; no homozygotes.

Submissions (5):

PreventionGenetics, part of Exact Sciences
Classification: Uncertain significance for TTN-related condition. Last evaluated: 2026-02-14. Review status: criteria provided, single submitter. Criteria: ACMG Guidelines, 2015. Collection method: clinical testing. Allele origin: germline.
Comment: The TTN c.104359A>G variant is predicted to result in the amino acid substitution p.Lys34787Glu. To our knowledge, this variant has not been reported in the literature. This variant is reported in 0.040% of alleles in individuals of Ashkenazi Jewish descent in gnomAD. At this time, the clinical significance of this variant is uncertain due to the absence of conclusive functional and genetic evidence.

Mayo Clinic Laboratories, Mayo Clinic
Classification: Uncertain significance. Last evaluated: 2025-06-06. Review status: criteria provided, single submitter. Criteria: ACMG Guidelines, 2015. Collection method: clinical testing. Allele origin: germline. Observed: 1 variant allele.
Comment: BP4_moderate

Fulgent Genetics
Classification: Uncertain significance for Tibial muscular dystrophy; Myopathy, myofibrillar, 9, with early respiratory failure; Dilated cardiomyopathy 1G; Autosomal recessive limb-girdle muscular dystrophy type 2J; Early-onset myopathy with fatal cardiomyopathy; Hypertrophic cardiomyopathy 9. Last evaluated: 2024-04-04. Review status: criteria provided, single submitter. Criteria: ACMG Guidelines, 2015. Collection method: clinical testing. Allele origin: germline.

Revvity Omics, Revvity
Classification: Uncertain significance. Last evaluated: 2022-11-29. Review status: criteria provided, single submitter. Criteria: ACMG Guidelines, 2015. Collection method: clinical testing. Allele origin: germline.

Labcorp Genetics (formerly Invitae), Labcorp
Classification: Uncertain significance for Dilated cardiomyopathy 1G; Autosomal recessive limb-girdle muscular dystrophy type 2J. Last evaluated: 2017-08-25. Review status: criteria provided, single submitter. Criteria: Invitae Variant Classification Sherloc (09022015). Collection method: clinical testing. Allele origin: germline.